The following is an entry in ClinVar:

NM_001273.5(CHD4):c.2588G>T (p.Gly863Val)

Gene: CHD4 (chromodomain helicase DNA binding protein 4; minus strand). Cytogenetic location: 12p13.31.
Variant type: single nucleotide variant.
Coding change: c.2588G>T on transcript NM_001273.5 (MANE Select); coding-DNA position 2588, G replaced by T.
Protein change: p.Gly863Val; replaces glycine 863 with valine.
Molecular consequence: missense variant.
Genome position (GRCh38, 1-based): chr12:6,593,155, C>A on the plus strand (G>T on the coding strand, the complement: CHD4 is on the minus strand). VCF-style: chr12-6593155-C-A. GRCh37 (hg19) VCF-style: chr12-6702321-C-A.
Other names: c.2567G>T, p.Gly856Val (NM_001297553.2); c.2549G>T, p.Gly850Val (NM_001363606.2); short protein forms G850V, G856V, G863V.
Identifiers: ClinVar variation 4760780 (VCV004760780.1).
Genomic context (GRCh38, chr12:6,593,155, plus strand): 5'-GACTGATTGTTCTTCAGCCGATGGGCTTCATCCACGATGAGGCAGGCCCAATCAATAGAG[C>A]CCAAAATAGCCATGTCAATGGTGATCAATTCATAGGATGTCAGCAGCACATGGAATTTCA-3'
Protein context (NP_001264.2, residues 853-873): ELITIDMAIL[Gly863Val]SIDWACLIVD

ClinVar aggregate classification (germline): Uncertain significance (1 of 4 stars; one submission).

Submission:

Labcorp Genetics (formerly Invitae), Labcorp
Classification: Uncertain significance. Last evaluated: 2025-11-21. Review status: criteria provided, single submitter. Criteria: Invitae Variant Classification Sherloc (09022015). Collection method: clinical testing. Allele origin: germline.
Comment: This sequence change replaces glycine, which is neutral and non-polar, with valine, which is neutral and non-polar, at codon 863 of the CHD4 protein (p.Gly863Val). This variant is not present in population databases (gnomAD no frequency). This variant has not been reported in the literature in individuals affected with CHD4-related conditions. Invitae Evidence Modeling of protein sequence and biophysical properties (such as structural, functional, and spatial information, amino acid conservation, physicochemical variation, residue mobility, and thermodynamic stability) has been performed for this missense variant. However, the output from this modeling did not meet the statistical confidence thresholds required to predict the impact of this variant on CHD4 protein function. In summary, the available evidence is currently insufficient to determine the role of this variant in disease. Therefore, it has been classified as a Variant of Uncertain Significance.